The following is an entry in ClinVar:

ClinVar aggregate classification (germline): Pathogenic/Likely pathogenic. Review status: criteria provided, multiple submitters, no conflicts (2 of 4 stars). 5 submissions from 5 submitters: Pathogenic (1); Likely pathogenic (3). 1 of the submissions does not count toward it. Last evaluated 2024-11-09.

Conditions:
SEC63-related disorder. Also called: SEC63-related condition.
Autosomal dominant polycystic liver disease. Also called: Congenital cystic disease of liver; Polycystic liver disease. Identifiers: Orphanet 2924, MedGen C0158683, MONDO:0000447, HP:0006557.
Polycystic liver disease 2 (PCLD2). Also called: Polycystic liver disease 2 with or without kidney cysts. Identifiers: Orphanet 2924, MedGen C4310769, MONDO:0014860, OMIM 617004.

Allele frequency attached by ClinVar (database versions not stated): gnomAD exomes below 0.00001; ExAC 0.00001.
gnomAD v4.1: 6 of 1,612,858 alleles (0.00037%); highest among the groups gnomAD compares: South Asian, 0.0011%; no homozygotes.

Submissions (5):

Labcorp Genetics (formerly Invitae), Labcorp
Classification: Pathogenic. Last evaluated: 2024-11-09. Review status: criteria provided, single submitter. Criteria: Invitae Variant Classification Sherloc (09022015). Collection method: clinical testing. Allele origin: germline.
Comment: This sequence change creates a premature translational stop signal (p.Ser632*) in the SEC63 gene. It is expected to result in an absent or disrupted protein product. Loss-of-function variants in SEC63 are known to be pathogenic (PMID: 20095989, 28375157). This variant is present in population databases (rs768615942, gnomAD 0.0009%). This variant has not been reported in the literature in individuals affected with SEC63-related conditions. ClinVar contains an entry for this variant (Variation ID: 1255587). For these reasons, this variant has been classified as Pathogenic.

Blueprint Genetics
Classification: Likely pathogenic for SEC63-related disorders. Last evaluated: 2024-03-25. Review status: criteria provided, single submitter. Criteria: ACMG Guidelines, 2015. Collection method: clinical testing. Allele origin: germline. Affected: yes. Observed: 1 variant allele.

Fulgent Genetics
Classification: Likely pathogenic for Polycystic liver disease 2. Last evaluated: 2021-11-06. Review status: criteria provided, single submitter. Criteria: ACMG Guidelines, 2015. Collection method: clinical testing. Allele origin: unknown.

Juno Genomics, Hangzhou Juno Genomics, Inc
Classification: Likely pathogenic for Polycystic liver disease 2. Review status: criteria provided, single submitter. Criteria: ACMG Guidelines, 2015. Collection method: clinical testing. Allele origin: germline.
Comment: Absent from controls (or at extremely low frequency if recessive) in Genome Aggregation Database.;Null variant in a gene where loss of function (LOF) is a known mechanism of disease.

Laboratory of Gastroenterology and Hepatology, Radboud University Medical Center
Classification: Pathogenic for Autosomal dominant polycystic liver disease. Last evaluated: 2021-09-01. Review status: no assertion criteria provided. Collection method: research. Allele origin: germline. Affected: yes. Not counted in ClinVar's aggregate classification.

Literature cited by the submitters: PubMed 20095989 (cited by Labcorp Genetics (formerly Invitae), Labcorp); PubMed 28375157 (cited by Labcorp Genetics (formerly Invitae), Labcorp).

NM_007214.5(SEC63):c.1895C>A (p.Ser632Ter)

Gene: SEC63 (SEC63 protein translocation regulator; minus strand). Cytogenetic location: 6q21.
Variant type: single nucleotide variant.
Coding change: c.1895C>A on transcript NM_007214.5 (MANE Select); coding-DNA position 1895, C replaced by A.
Protein change: p.Ser632Ter; replaces serine 632 with a stop codon.
Molecular consequence: nonsense.
Genome position (GRCh38, 1-based): chr6:107,881,189, G>T on the plus strand (C>A on the coding strand, the complement: SEC63 is on the minus strand). VCF-style: chr6-107881189-G-T. GRCh37 (hg19) VCF-style: chr6-108202393-G-T.
Other names: short protein forms S632*.
Identifiers: ClinVar variation 1255587 (VCV001255587.8), dbSNP rs768615942, ClinGen allele CA3947239.